The following is an entry in ClinVar:

NM_001379291.1(BRD4):c.3782+6C>T

Gene: BRD4 (bromodomain containing 4; minus strand). Cytogenetic location: 19p13.12.
Variant type: single nucleotide variant.
Coding change: c.3782+6C>T on transcript NM_001379291.1 (MANE Select); 6 bases into the intron after coding-DNA position 3782, C replaced by T.
Molecular consequence: intron variant.
Genome position (GRCh38, 1-based): chr19:15,239,053, G>A on the plus strand (C>T on the coding strand, the complement: BRD4 is on the minus strand). VCF-style: chr19-15239053-G-A. GRCh37 (hg19) VCF-style: chr19-15349864-G-A.
Other names: c.3782+6C>T (NM_058243.3).
Identifiers: ClinVar variation 4781193 (VCV004781193.1).
Genomic context (GRCh38, chr19:15,239,053, plus strand): 5'-TCCCAGTCAGCCTGGGGACTGGTGTGGCCCCAAGAGTCCCCATGCCCCACCCAGACACCC[G>A]CCCACCTCATGCGCTCCTGCCGCAGCCGCTCCTTCTCCTTCTCAGCGTGCTCGGCCTGAG-3'

ClinVar aggregate classification (germline): Uncertain significance (1 of 4 stars; one submission).

gnomAD v4.1: 110 of 1,583,144 alleles (0.0069%); highest among the groups gnomAD compares: Non-Finnish European, 0.0064%; no homozygotes.

Submission:

Labcorp Genetics (formerly Invitae), Labcorp
Classification: Uncertain significance. Last evaluated: 2026-01-05. Review status: criteria provided, single submitter. Criteria: Invitae Variant Classification Sherloc (09022015). Collection method: clinical testing. Allele origin: germline.
Comment: This sequence change falls in intron 18 of the BRD4 gene. It does not directly change the encoded amino acid sequence of the BRD4 protein. It affects a nucleotide within the consensus splice site. This variant is present in population databases (rs374034348, gnomAD 0.08%), and has an allele count higher than expected for a pathogenic variant. This variant has not been reported in the literature in individuals affected with BRD4-related conditions. Variants that disrupt the consensus splice site are a relatively common cause of aberrant splicing (PMID: 17576681, 9536098). Algorithms developed to predict the effect of sequence changes on RNA splicing suggest that this variant is not likely to affect RNA splicing. In summary, the available evidence is currently insufficient to determine the role of this variant in disease. Therefore, it has been classified as a Variant of Uncertain Significance.

Literature cited by the submitters: PubMed 17576681; PubMed 9536098.